The following is an entry in ClinVar:

NM_022765.4(MICAL1):c.653C>A (p.Ala218Glu)

Gene: MICAL1 (microtubule associated monooxygenase, calponin and LIM domain containing 1; minus strand). Cytogenetic location: 6q21.
Variant type: single nucleotide variant.
Coding change: c.653C>A on transcript NM_022765.4 (MANE Select); coding-DNA position 653, C replaced by A.
Protein change: p.Ala218Glu; replaces alanine 218 with glutamic acid.
Molecular consequence: missense variant.
Genome position (GRCh38, 1-based): chr6:109,452,534, G>T on the plus strand (C>A on the coding strand, the complement: MICAL1 is on the minus strand). VCF-style: chr6-109452534-G-T. GRCh37 (hg19) VCF-style: chr6-109773737-G-T.
Other names: c.653C>A, p.Ala218Glu (NM_001159291.2); c.710C>A, p.Ala237Glu (NM_001286613.2); short protein forms A237E, A218E.
Identifiers: ClinVar variation 2870802 (VCV002870802.3), dbSNP rs2482810208, ClinGen allele CA365232853.

ClinVar aggregate classification (germline): Uncertain significance (1 of 4 stars; one submission).

Submission:

Labcorp Genetics (formerly Invitae), Labcorp
Classification: Uncertain significance. Last evaluated: 2024-10-16. Review status: criteria provided, single submitter. Criteria: Invitae Variant Classification Sherloc (09022015). Collection method: clinical testing. Allele origin: germline.
Comment: This sequence change replaces alanine, which is neutral and non-polar, with glutamic acid, which is acidic and polar, at codon 237 of the MICAL1 protein (p.Ala237Glu). This variant is not present in population databases (gnomAD no frequency). This variant has not been reported in the literature in individuals affected with MICAL1-related conditions. An algorithm developed to predict the effect of missense changes on protein structure and function (PolyPhen-2) suggests that this variant is likely to be disruptive. In summary, the available evidence is currently insufficient to determine the role of this variant in disease. Therefore, it has been classified as a Variant of Uncertain Significance.